The following is an entry in ClinVar:

NM_001267550.2(TTN):c.24853T>A (p.Cys8285Ser)

Gene: TTN (titin; minus strand). Cytogenetic location: 2q31.2.
Variant type: single nucleotide variant.
Coding change: c.24853T>A on transcript NM_001267550.2 (MANE Select); coding-DNA position 24853, T replaced by A.
Protein change: p.Cys8285Ser; replaces cysteine 8285 with serine.
Molecular consequence: missense variant. On other transcripts: intron variant (3).
Genome position (GRCh38, 1-based): chr2:178,718,153, A>T on the plus strand (T>A on the coding strand, the complement: TTN is on the minus strand). VCF-style: chr2-178718153-A-T. GRCh37 (hg19) VCF-style: chr2-179582880-A-T.
Other names: c.23902T>A, p.Cys7968Ser (NM_001256850.1); c.21121T>A, p.Cys7041Ser (NM_133378.4); c.13282+19929T>A (NM_003319.4); c.13858+19929T>A (NM_133437.4); c.13657+19929T>A (NM_133432.3); short protein forms C7041S, C7968S, C8285S.
Identifiers: ClinVar variation 2499226 (VCV002499226.1), dbSNP rs757040162, ClinGen allele CA2000335.

ClinVar aggregate classification (germline): Uncertain significance (1 of 4 stars; one submission).

Allele frequency attached by ClinVar (database versions not stated): ExAC 0.00001.
gnomAD v4.1: 2 of 1,607,460 alleles (0.00012%); highest among the groups gnomAD compares: East Asian, 0.0045%; no homozygotes.

Submission:

GeneDx
Classification: Uncertain significance. Last evaluated: 2022-10-14. Review status: criteria provided, single submitter. Criteria: GeneDx Variant Classification Process June 2021. Collection method: clinical testing. Allele origin: germline. Affected: yes.
Comment: Not observed at significant frequency in large population cohorts (gnomAD); Missense variant in a gene in which most reported pathogenic variants are truncating/loss of function; Has not been previously published as pathogenic or benign to our knowledge